The following is an entry in ClinVar:

ClinVar aggregate classification (germline): Uncertain significance (1 of 4 stars; one submission).

Conditions:
Cardiovascular phenotype. Identifiers: MedGen CN230736.

Submission:

Ambry Genetics
Classification: Uncertain significance for Cardiovascular phenotype. Last evaluated: 2025-10-05. Review status: criteria provided, single submitter. Criteria: Ambry Variant Classification Scheme 2023. Collection method: clinical testing. Allele origin: germline.
Comment: The p.S53T variant (also known as c.157T>A), located in coding exon 1 of the MYH6 gene, results from a T to A substitution at nucleotide position 157. The serine at codon 53 is replaced by threonine, an amino acid with similar properties. This amino acid position is conserved. In addition, the in silico prediction for this alteration is inconclusive. Based on the available evidence, the clinical significance of this variant remains unclear.

NM_002471.4(MYH6):c.157T>A (p.Ser53Thr)

Genes: MYH6 (myosin heavy chain 6; minus strand), LOC114827851 (VISTA enhancer hs2155; plus strand). Cytogenetic location: 14q11.2.
Variant type: single nucleotide variant.
Coding change: c.157T>A on transcript NM_002471.4 (MANE Select); coding-DNA position 157, T replaced by A.
Protein change: p.Ser53Thr; replaces serine 53 with threonine.
Molecular consequence: missense variant.
Genome position (GRCh38, 1-based): chr14:23,407,067, A>T on the plus strand (T>A on the coding strand, the complement: MYH6 is on the minus strand). VCF-style: chr14-23407067-A-T. GRCh37 (hg19) VCF-style: chr14-23876276-A-T.
Other names: short protein forms S53T.
Identifiers: ClinVar variation 4614608 (VCV004614608.1).
Genomic context (GRCh38, chr14:23,407,067, plus strand): 5'-GCCATGCCCTACTCACCTTCCCATTCTCGGTTTCAGCAATGACCTTGCCTCCCTCCCGGG[A>T]CAAAATCTTGGCTTTGACAAACTCTTCCTTGTCATCGGGCACGAAGCACTCAGTGCGAAT-3'
Protein context (NP_002462.2, residues 43-63): KEEFVKAKIL[Ser53Thr]REGGKVIAET